The following is an entry in ClinVar:

NM_001349338.3(FOXP1):c.559C>T (p.Gln187Ter)

Gene: FOXP1 (forkhead box P1; minus strand). Cytogenetic location: 3p13.
Variant type: single nucleotide variant.
Coding change: c.559C>T on transcript NM_001349338.3 (MANE Select); coding-DNA position 559, C replaced by T.
Protein change: p.Gln187Ter; replaces glutamine 187 with a stop codon.
Molecular consequence: nonsense. On other transcripts: non-coding transcript variant (2).
Genome position (GRCh38, 1-based): chr3:71,047,047, G>A on the plus strand (C>T on the coding strand, the complement: FOXP1 is on the minus strand). VCF-style: chr3-71047047-G-A. GRCh37 (hg19) VCF-style: chr3-71096198-G-A.
Other names: c.559C>T, p.Gln187Ter (NM_001244808.3, NM_001244810.2, NM_001244814.3 and 3 more transcripts); c.331C>T, p.Gln111Ter (NM_001244812.3); c.259C>T, p.Gln87Ter (NM_001244813.3, NM_001244815.2, NM_001349342.3 and 1 more transcripts); c.256C>T, p.Gln86Ter (NM_001349337.2, NM_001349343.3, NM_001349344.3); c.556C>T, p.Gln186Ter (NM_001349341.3); short protein forms Q111*, Q186*, Q187*, Q86*, Q87*.
Identifiers: ClinVar variation 3772480 (VCV003772480.13).

ClinVar aggregate classification (germline): Pathogenic (1 of 4 stars; one submission).

Submission:

CeGaT Center for Human Genetics Tuebingen
Classification: Pathogenic. Last evaluated: 2025-02-01. Review status: criteria provided, single submitter. Criteria: CeGaT Center For Human Genetics Tuebingen Variant Classification Criteria Version 2. Collection method: clinical testing. Allele origin: germline. Affected: yes. Observed: 1 variant allele.
Comment: FOXP1: PVS1, PM2